The following is an entry in ClinVar:

ClinVar aggregate classification (germline): Benign. Review status: criteria provided, multiple submitters, no conflicts (2 of 4 stars). 2 submissions from 2 submitters: Benign (2). Last evaluated 2018-06-16.

Allele frequency attached by ClinVar (database versions not stated): gnomAD exomes 0.09740; gnomAD 0.10242 and 0.10400; TOPMed 0.11983; 1000 Genomes Project 0.13758; 1000 Genomes Project 30x 0.14101.
gnomAD v4.1: 62,772 of 635,394 alleles (9.9%); highest among the groups gnomAD compares: Admixed American, 27%; 4,240 homozygotes.

Submissions (2):

GeneDx
Classification: Benign. Last evaluated: 2018-06-16. Review status: criteria provided, single submitter. Criteria: GeneDx Variant Classification (06012015). Collection method: clinical testing. Allele origin: germline. Affected: yes.
Comment: This variant is considered likely benign or benign based on one or more of the following criteria: it is a conservative change, it occurs at a poorly conserved position in the protein, it is predicted to be benign by multiple in silico algorithms, and/or has population frequency not consistent with disease.

Breakthrough Genomics
Classification: Benign. Review status: criteria provided, single submitter. Criteria: ACMG Guidelines, 2015. Collection method: not provided. Allele origin: germline. Inheritance: Autosomal recessive inheritance. Affected: yes.

NM_001048166.1(STIL):c.701+188A>G

Gene: STIL (STIL centriolar assembly protein; minus strand). Cytogenetic location: 1p33.
Variant type: single nucleotide variant.
Coding change: c.701+188A>G on transcript NM_001048166.1 (MANE Select); 188 bases into the intron after coding-DNA position 701, A replaced by G.
Molecular consequence: intron variant.
Genome position (GRCh38, 1-based): chr1:47,299,717, T>C on the plus strand (A>G on the coding strand, the complement: STIL is on the minus strand). VCF-style: chr1-47299717-T-C. GRCh37 (hg19) VCF-style: chr1-47765389-T-C.
Other names: c.701+188A>G (NM_003035.2, NM_001282937.1, NM_001282936.1); c.560+188A>G (NM_001282939.1, NM_001282938.1).
Identifiers: ClinVar variation 672537 (VCV000672537.2), dbSNP rs17418545, ClinGen allele CA10724313.
Genomic context (GRCh38, chr1:47,299,717, plus strand): 5'-TACTGGGATTACAGGTGTGAGCCACTGCGCCAGGCCCTACCACCAATTTTTTGTAGGTGG[T>C]GGCACAACTTAAAGAAAATTTCATATTCAACGAAAATAAACCATTTCATTTTTTACTTTC-3'